The following is an entry in ClinVar:

NM_021098.3(CACNA1H):c.5083G>A (p.Gly1695Ser)

Gene: CACNA1H (calcium voltage-gated channel subunit alpha1 H; plus strand). Cytogenetic location: 16p13.3.
Variant type: single nucleotide variant.
Coding change: c.5083G>A on transcript NM_021098.3 (MANE Select); coding-DNA position 5083, G replaced by A.
Protein change: p.Gly1695Ser; replaces glycine 1695 with serine.
Molecular consequence: missense variant.
Genome position (GRCh38, 1-based): chr16:1,215,285, G>A. VCF-style: chr16-1215285-G-A. GRCh37 (hg19) VCF-style: chr16-1265285-G-A.
Other names: c.5065G>A, p.Gly1689Ser (NM_001005407.2); c.5083G>A (NM_021098.2); short protein forms G1689S, G1695S.
Identifiers: ClinVar variation 1049356 (VCV001049356.8), dbSNP rs946594196, ClinGen allele CA276608202.
Genomic context (GRCh38, chr16:1,215,285, plus strand): 5'-AGCCTCCGGCCACACAGGTGGAACCAGCTGGACCTGGCCATCGTGCTGCTGTCACTCATG[G>A]GCATCACGCTGGAGGAGATAGAGATGAGCGCCGCGCTGCCCATCAACCCCACCATCATCC-3'
Protein context (NP_066921.2, residues 1685-1705): DLAIVLLSLM[Gly1695Ser]ITLEEIEMSA

ClinVar aggregate classification (germline): Uncertain significance. Review status: criteria provided, multiple submitters, no conflicts (2 of 4 stars). 4 submissions from 4 submitters: Uncertain significance (3). 1 of the submissions does not count toward it. Last evaluated 2023-09-15.

Conditions:
Idiopathic generalized epilepsy. Also called: EIG; Generalised epilepsy. Identifiers: MedGen C0270850, MONDO:0005579, OMIM 600669.
Hyperaldosteronism, familial, type IV (HALD4). Also called: FH IV; ALDOSTERONISM, PRIMARY, AND HYPERTENSION. Identifiers: Orphanet 642671, MedGen C4310756, MONDO:0014875, OMIM 617027.
Inborn genetic diseases. Identifiers: MedGen C0950123, MeSH D030342.
Epilepsy, childhood absence, susceptibility to, 6. Identifiers: Orphanet 64280, MedGen C2749872, MONDO:0012763, OMIM 611942.

Allele frequency attached by ClinVar (database versions not stated): gnomAD exomes below 0.00001 and 0.00003; gnomAD 0.00003 and 0.00004; TOPMed 0.00005.
gnomAD v4.1: 42 of 1,608,662 alleles (0.0026%); highest among the groups gnomAD compares: Non-Finnish European, 0.0034%; no homozygotes.

Submissions (4):

Labcorp Genetics (formerly Invitae), Labcorp
Classification: Uncertain significance for Idiopathic generalized epilepsy; Hyperaldosteronism, familial, type IV. Last evaluated: 2023-09-15. Review status: criteria provided, single submitter. Criteria: Invitae Variant Classification Sherloc (09022015). Collection method: clinical testing. Allele origin: germline.
Comment: In summary, the available evidence is currently insufficient to determine the role of this variant in disease. Therefore, it has been classified as a Variant of Uncertain Significance. Advanced modeling of protein sequence and biophysical properties (such as structural, functional, and spatial information, amino acid conservation, physicochemical variation, residue mobility, and thermodynamic stability) performed at Invitae indicates that this missense variant is expected to disrupt CACNA1H protein function. ClinVar contains an entry for this variant (Variation ID: 1049356). This variant has not been reported in the literature in individuals affected with CACNA1H-related conditions. This variant is present in population databases (no rsID available, gnomAD 0.002%). This sequence change replaces glycine, which is neutral and non-polar, with serine, which is neutral and polar, at codon 1695 of the CACNA1H protein (p.Gly1695Ser).

Ambry Genetics
Classification: Uncertain significance for Inborn genetic diseases. Last evaluated: 2022-06-28. Review status: criteria provided, single submitter. Criteria: Ambry Variant Classification Scheme 2023. Collection method: clinical testing. Allele origin: germline.

Fulgent Genetics
Classification: Uncertain significance for Epilepsy, childhood absence, susceptibility to, 6; Hyperaldosteronism, familial, type IV. Last evaluated: 2022-02-08. Review status: criteria provided, single submitter. Criteria: ACMG Guidelines, 2015. Collection method: clinical testing. Allele origin: unknown.

Department of Pathology and Laboratory Medicine, Sinai Health System
Classification: Uncertain significance. Review status: no assertion criteria provided. Collection method: clinical testing. Allele origin: unknown. Affected: yes. Study: The Canadian Open Genetics Repository (COGR). Not counted in ClinVar's aggregate classification.
Comment: The CACNA1H p.Gly1689Ser variant was not identified in the literature nor was it identified in ClinVar or LOVD 3.0. The variant was identified in dbSNP (ID: rs946594196) and in control databases in 3 of 271274 chromosomes at a frequency of 0.00001106 (Genome Aggregation Database March 6, 2019, v2.1.1). The variant was observed in the European (non-Finnish) population in 3 of 123842 chromosomes (freq: 0.000024), but was not observed in the African, Latino, Ashkenazi Jewish, East Asian, European (Finnish), Other, or South Asian populations. The p.Gly1689 residue is conserved across mammals and other organisms, and four out of five computational analyses (PolyPhen-2, SIFT, AlignGVGD, BLOSUM, MutationTaster) suggest that the variant may impact the protein; however, this information is not predictive enough to assume pathogenicity. The variant occurs outside of the splicing consensus sequence and in silico or computational prediction software programs (SpliceSiteFinder, MaxEntScan, NNSPLICE, GeneSplicer) do not predict a difference in splicing. In summary, based on the above information the clinical significance of this variant cannot be determined with certainty at this time. This variant is classified as a variant of uncertain significance.